The following is an entry in ClinVar:

NM_004924.6(ACTN4):c.232T>C (p.Phe78Leu)

Gene: ACTN4 (actinin alpha 4; plus strand). Cytogenetic location: 19q13.2.
Variant type: single nucleotide variant.
Coding change: c.232T>C on transcript NM_004924.6 (MANE Select); coding-DNA position 232, T replaced by C.
Protein change: p.Phe78Leu; replaces phenylalanine 78 with leucine.
Molecular consequence: missense variant.
Genome position (GRCh38, 1-based): chr19:38,700,669, T>C. VCF-style: chr19-38700669-T-C. GRCh37 (hg19) VCF-style: chr19-39191309-T-C.
Other names: c.232T>C, p.Phe78Leu (NM_001322033.2); short protein forms F78L.
Identifiers: ClinVar variation 1698687 (VCV001698687.2), dbSNP rs2144992138, ClinGen allele CA405685617.

ClinVar aggregate classification (germline): drug response (0 of 4 stars; one submission).

Conditions:
Corticosteroids response. Also called: Corticosteroid response.

Submission:

Genetic Testing Lab, Ashok and Rita Patel Institute of Integrated Study and Research in Biotechnology and Allied Sciences
Classification: drug response for Corticosteroid response. Last evaluated: 2022-05-20. Review status: no assertion criteria provided. Collection method: research. Allele origin: somatic. Affected: yes. Observed: 37 variant alleles.
Comment: Depending upon patients response to standard corticosteroids therapy, they were classified to be either Steroid resistance(SRNS)(poor metabolizer) or steroid sensitive(SSNS)(likley responsive)